The following is an entry in ClinVar:

ClinVar aggregate classification (germline): Uncertain significance (1 of 4 stars; one submission).

Conditions:
Congenital muscular dystrophy due to integrin alpha-7 deficiency. Also called: MYOPATHY, CONGENITAL, DUE TO INTEGRIN ALPHA-7 DEFICIENCY; Congenital muscular dystrophy with integrin alpha-7 deficiency; Muscular dystrophy, congenital, due to ITGA7 deficiency. Identifiers: Orphanet 34520, MedGen C2750786, MONDO:0013177, OMIM 613204.

Submission:

Labcorp Genetics (formerly Invitae), Labcorp
Classification: Uncertain significance for Congenital muscular dystrophy due to integrin alpha-7 deficiency. Last evaluated: 2021-11-01. Review status: criteria provided, single submitter. Criteria: Invitae Variant Classification Sherloc (09022015). Collection method: clinical testing. Allele origin: germline.
Comment: This variant is not present in population databases (gnomAD no frequency). This sequence change replaces lysine, which is basic and polar, with glutamine, which is neutral and polar, at codon 1005 of the ITGA7 protein (p.Lys1005Gln). This variant has not been reported in the literature in individuals affected with ITGA7-related conditions. Algorithms developed to predict the effect of missense changes on protein structure and function (SIFT, PolyPhen-2, Align-GVGD) all suggest that this variant is likely to be tolerated. In summary, the available evidence is currently insufficient to determine the role of this variant in disease. Therefore, it has been classified as a Variant of Uncertain Significance.

NM_002206.3(ITGA7):c.3013A>C (p.Lys1005Gln)

Gene: ITGA7 (integrin subunit alpha 7; minus strand). Cytogenetic location: 12q13.2.
Variant type: single nucleotide variant.
Coding change: c.3013A>C on transcript NM_002206.3 (MANE Select); coding-DNA position 3013, A replaced by C.
Protein change: p.Lys1005Gln; replaces lysine 1005 with glutamine.
Molecular consequence: missense variant.
Genome position (GRCh38, 1-based): chr12:55,688,246, T>G on the plus strand (A>C on the coding strand, the complement: ITGA7 is on the minus strand). VCF-style: chr12-55688246-T-G. GRCh37 (hg19) VCF-style: chr12-56082030-T-G.
Other names: c.3025A>C, p.Lys1009Gln (NM_001144996.2); c.2734A>C, p.Lys912Gln (NM_001144997.2); c.2686A>C, p.Lys896Gln (NM_001367993.1); c.1669A>C, p.Lys557Gln (NM_001367994.1); c.2995A>C, p.Lys999Gln (NM_001374465.1); c.3145A>C, p.Lys1049Gln (NM_001410977.1); c.3007A>C, p.Lys1003Gln (NM_001414029.1); c.2938A>C, p.Lys980Gln (NM_001414030.1); and 5 more; short protein forms K1009Q, K912Q, K1005Q, K896Q, K557Q, K999Q, K1049Q, K892Q.
Identifiers: ClinVar variation 1444982 (VCV001444982.6), dbSNP rs2135955715, ClinGen allele CA385180802.